The following is an entry in ClinVar:

ClinVar aggregate classification (germline): Pathogenic (1 of 4 stars; one submission).

Submission:

Labcorp Genetics (formerly Invitae), Labcorp
Classification: Pathogenic. Last evaluated: 2021-01-13. Review status: criteria provided, single submitter. Criteria: Invitae Variant Classification Sherloc (09022015). Collection method: clinical testing. Allele origin: germline.
Comment: For these reasons, this variant has been classified as Pathogenic. Loss-of-function variants in KIF11 are known to be pathogenic (PMID: 22284827, 24281367). Algorithms developed to predict the effect of sequence changes on RNA splicing suggest that this variant may create or strengthen a splice site, but this prediction has not been confirmed by published transcriptional studies. This variant has not been reported in the literature in individuals with KIF11-related conditions. This variant is not present in population databases (ExAC no frequency). This sequence change creates a premature translational stop signal (p.Asp920Valfs*20) in the KIF11 gene. It is expected to result in an absent or disrupted protein product.

Literature cited by the submitters: PubMed 22284827; PubMed 24281367.

NM_004523.4(KIF11):c.2759del (p.Asp920fs)

Gene: KIF11 (kinesin family member 11; plus strand). Cytogenetic location: 10q23.33.
Variant type: Deletion.
Coding change: c.2759del on transcript NM_004523.4 (MANE Select); coding-DNA position 2759, one base deleted (A; older notation c.2759delA).
Protein change: p.Asp920fs; shifts the reading frame from aspartic acid 920.
Molecular consequence: frameshift variant.
Genome position (GRCh38, 1-based): chr10:92,648,423, A deleted. VCF-style (leftmost placement, unchanged base first): chr10-92648422-GA-G. GRCh37 (hg19) VCF-style: chr10-94408179-GA-G.
Other names: short protein forms D920fs.
Identifiers: ClinVar variation 1076596 (VCV001076596.7), dbSNP rs2135924889, ClinGen allele CA2499220500.